The following is an entry in ClinVar:

ClinVar aggregate classification (germline): Uncertain significance (1 of 4 stars; one submission).

Conditions:
Microangiopathy and leukoencephalopathy, pontine, autosomal dominant. Also called: DEMENTIA, HEREDITARY MULTI-INFARCT, SWEDISH TYPE; Pontine autosomal dominant microangiopathy with leukoencephalopathy. Identifiers: Orphanet 477749, MedGen C5231411, MONDO:0032814, OMIM 618564.

Submission:

Laboratorio de Biologia Molecular/Medicina Genomica - IFF/Fiocruz, Instituto Fernandes Figueira, Fundacao Oswaldo Cruz
Classification: Uncertain significance for Microangiopathy and leukoencephalopathy, pontine, autosomal dominant. Last evaluated: 2025-01-30. Review status: criteria provided, single submitter. Criteria: ACMG Guidelines, 2015. Collection method: clinical testing. Allele origin: de novo. Affected: yes. Observed: 1 variant allele.
Comment: Variant: c.2432G>T (p.Gly811Val) in exon 31 of the COL4A1 gene. Protein effect: Missense substitution replacing a highly conserved glycine residue with valine. The COL4A1 gene is known to be intolerant to missense variation, and such substitutions are commonly implicated in the pathogenic mechanism underlying microangiopathy and leukoencephalopathy (z-score: 4.99; PMIDs: 30413629, 37475185, 37830085, 34415564). In silico evidence: Pathogenicity predictors indicate a deleterious effect on protein function. Population data: Absent from public population databases, including gnomAD and ABraOM. Clinical reports: No previous literature reports describing this variant were found at the time of analysis. Segregation/Phase data: Internal segregation analysis, without confirmation of paternity, indicates that this variant occurred de novo. ACMG/AMP criteria applied: PM2_Supporting, PM6_Supporting, PP2, PP3.

Literature cited by the submitters: PubMed 30413629; PubMed 37475185; PubMed 37830085; PubMed 34415564.

NM_001845.6(COL4A1):c.2432G>T (p.Gly811Val)

Gene: COL4A1 (collagen type IV alpha 1 chain; minus strand). Cytogenetic location: 13q34.
Variant type: single nucleotide variant.
Coding change: c.2432G>T on transcript NM_001845.6 (MANE Select); coding-DNA position 2432, G replaced by T.
Protein change: p.Gly811Val; replaces glycine 811 with valine.
Molecular consequence: missense variant.
Genome position (GRCh38, 1-based): chr13:110,178,949, C>A on the plus strand (G>T on the coding strand, the complement: COL4A1 is on the minus strand). VCF-style: chr13-110178949-C-A. GRCh37 (hg19) VCF-style: chr13-110831296-C-A.
Other names: short protein forms G811V.
Identifiers: ClinVar variation 4530690 (VCV004530690.1).
Genomic context (GRCh38, chr13:110,178,949, plus strand): 5'-TGGGAACAGATAATTCTAGAAGCATGTCACTCACCTGACAACCCCGGTGGTCCCTGTCCT[C>A]CAGGGGGACCCCTAGCTCCAGGGGGGCCTATTCCTGGAACTCCTGGAGACCCCACGGAGC-3'
Protein context (NP_001836.3, residues 801-821): IGPPGARGPP[Gly811Val]GQGPPGLSGP